The following is an entry in ClinVar:

NM_133459.4(CCBE1):c.746C>T (p.Pro249Leu)

Gene: CCBE1 (collagen and calcium binding EGF domains 1; minus strand). Cytogenetic location: 18q21.32.
Variant type: single nucleotide variant.
Coding change: c.746C>T on transcript NM_133459.4 (MANE Select); coding-DNA position 746, C replaced by T.
Protein change: p.Pro249Leu; replaces proline 249 with leucine.
Molecular consequence: missense variant.
Genome position (GRCh38, 1-based): chr18:59,448,012, G>A on the plus strand (C>T on the coding strand, the complement: CCBE1 is on the minus strand). VCF-style: chr18-59448012-G-A. GRCh37 (hg19) VCF-style: chr18-57115244-G-A.
Other names: short protein forms P249L.
Identifiers: ClinVar variation 1996291 (VCV001996291.4), dbSNP rs751284637, ClinGen allele CA8980356.
Genomic context (GRCh38, chr18:59,448,012, plus strand): 5'-ATCACCCTCCTGTGCCCTCTTCCACACTCACCGGGAGGGCCCTGGCCCCCAGGCAGGCCA[G>A]GAGGTCCTGGAAGGTAGGTGTTTGAGGCCAGCACCTTGTCACCAGTGATATACTTGCCCA-3'
Protein context (NP_597716.1, residues 239-259): LASNTYLPGP[Pro249Leu]GLPGGQGPPG

ClinVar aggregate classification (germline): Uncertain significance (1 of 4 stars; one submission).

Allele frequency attached by ClinVar (database versions not stated): gnomAD exomes below 0.00001; ExAC 0.00001.
gnomAD v4.1: 1 of 1,614,222 alleles (0.000062%); highest among the groups gnomAD compares: Non-Finnish European, 0.000085%; no homozygotes.

Submission:

Labcorp Genetics (formerly Invitae), Labcorp
Classification: Uncertain significance. Last evaluated: 2022-10-28. Review status: criteria provided, single submitter. Criteria: Invitae Variant Classification Sherloc (09022015). Collection method: clinical testing. Allele origin: germline.
Comment: This sequence change replaces proline, which is neutral and non-polar, with leucine, which is neutral and non-polar, at codon 249 of the CCBE1 protein (p.Pro249Leu). Advanced modeling of protein sequence and biophysical properties (such as structural, functional, and spatial information, amino acid conservation, physicochemical variation, residue mobility, and thermodynamic stability) has been performed at Invitae for this missense variant, however the output from this modeling did not meet the statistical confidence thresholds required to predict the impact of this variant on CCBE1 protein function. In summary, the available evidence is currently insufficient to determine the role of this variant in disease. Therefore, it has been classified as a Variant of Uncertain Significance. This variant is present in population databases (rs751284637, gnomAD 0.0009%). This variant has not been reported in the literature in individuals affected with CCBE1-related conditions.